The following is an entry in ClinVar:

ClinVar aggregate classification (germline): Benign. Review status: criteria provided, multiple submitters, no conflicts (2 of 4 stars). 8 submissions from 8 submitters: Benign (8). Last evaluated 2026-08-03.

Conditions:
Familial colorectal cancer type X. Identifiers: Orphanet 440437, MedGen C3896578, MONDO:0018604.
Diamond-Blackfan anemia. Also called: Blackfan Diamond syndrome; Aregenerative anemia chronic congenital; Red cell aplasia, pure hereditary; Congenital hypoplastic anemia; Aase syndrome. Identifiers: Orphanet 124, MedGen C1260899, MeSH D029503, MONDO:0015253, HP:0004810.
Hereditary cancer-predisposing syndrome. Also called: Hereditary Cancer Syndrome; Hereditary neoplastic syndrome; Neoplastic Syndromes, Hereditary; Tumor predisposition. Identifiers: Orphanet 140162, MedGen C0027672, MeSH D009386, MONDO:0015356.

Allele frequency attached by ClinVar (database versions not stated): ESP Exome Variant Server 0.04351; TOPMed 0.04530; 1000 Genomes Project 0.05152; 1000 Genomes Project 30x 0.05512.
gnomAD v4.1: 12,457 of 1,608,386 alleles (0.77%); highest among the groups gnomAD compares: African/African-American, 14%; 827 homozygotes.

Submissions (8):

Myriad Genetics, Inc.
Classification: Benign for Familial colorectal cancer type X. Last evaluated: 2026-08-03. Review status: criteria provided, single submitter. Criteria: Myriad Autosomal Dominant, Autosomal Recessive and X-Linked Classification Criteria (2023). Collection method: clinical testing. Allele origin: unknown.
Comment: This variant is considered benign. This variant is intronic and is not expected to impact mRNA splicing. This variant has been observed at a population frequency that is significantly greater than expected given the associated disease prevalence and penetrance.

Labcorp Genetics (formerly Invitae), Labcorp
Classification: Benign. Last evaluated: 2026-02-04. Review status: criteria provided, single submitter. Criteria: Invitae Variant Classification Sherloc (09022015). Collection method: clinical testing. Allele origin: germline.

Institute for Biomarker Research, Medical Diagnostic Laboratories, L.L.C.
Classification: Benign for Hereditary cancer-predisposing syndrome. Last evaluated: 2025-08-04. Review status: criteria provided, single submitter. Criteria: ACMG Guidelines, 2015. Collection method: clinical testing. Allele origin: germline.
Comment: The splice region variant NM_001146227.3(RPS20):c.4-3T>C has been reported to ClinVar as Benign with a status of (2 stars) criteria provided, multiple submitters, no conflicts (Variation ID 1168286 as of 2025-07-03). The c.4-3T>C variant is not predicted to disrupt the existing acceptor splice site 1bp upstream by any splice site algorithm. The c.4-3T>C variant results in a substitution of a base that is not predicted conserved by GERP++ and PhyloP. For these reasons, this variant has been classified as Benign.

GeneKor MSA
Classification: Benign for Hereditary cancer-predisposing syndrome. Last evaluated: 2025-07-10. Review status: criteria provided, single submitter. Criteria: ACMG Guidelines, 2015. Collection method: clinical testing. Allele origin: germline.

Center for Genomic Medicine, Rigshospitalet, Copenhagen University Hospital
Classification: Benign. Last evaluated: 2025-03-04. Review status: criteria provided, single submitter. Criteria: ACMG Guidelines, 2015. Collection method: clinical testing. Allele origin: germline.

Department of Pathology and Laboratory Medicine, Sinai Health System
Classification: Benign for Diamond-Blackfan anemia; Familial colorectal cancer type X. Last evaluated: 2021-11-11. Review status: criteria provided, single submitter. Criteria: ACMG Guidelines, 2015. Collection method: clinical testing. Allele origin: germline. Affected: yes.

GeneDx
Classification: Benign. Last evaluated: 2019-06-15. Review status: criteria provided, single submitter. Criteria: GeneDx Variant Classification Process June 2021. Collection method: clinical testing. Allele origin: germline. Affected: yes.

Breakthrough Genomics
Classification: Benign. Review status: criteria provided, single submitter. Criteria: ACMG Guidelines, 2015. Collection method: not provided. Allele origin: germline. Inheritance: Unknown mechanism. Affected: yes.

NM_001023.4(RPS20):c.4-3T>C

Gene: RPS20 (ribosomal protein S20; minus strand). Cytogenetic location: 8q12.1.
Variant type: single nucleotide variant.
Coding change: c.4-3T>C on transcript NM_001023.4 (MANE Select); 3 bases into the intron before coding-DNA position 4, T replaced by C.
Molecular consequence: intron variant.
Genome position (GRCh38, 1-based): chr8:56,074,162, A>G on the plus strand (T>C on the coding strand, the complement: RPS20 is on the minus strand). VCF-style: chr8-56074162-A-G. GRCh37 (hg19) VCF-style: chr8-56986721-A-G.
Other names: c.4-3T>C (NM_001146227.1, NM_001146227.3).
Identifiers: ClinVar variation 1168286 (VCV001168286.22), dbSNP rs7841901, ClinGen allele CA4754477.